The following is an entry in ClinVar:

NM_001458.5(FLNC):c.2519G>A (p.Arg840His)

Gene: FLNC (filamin C; plus strand). Cytogenetic location: 7q32.1.
Variant type: single nucleotide variant.
Coding change: c.2519G>A on transcript NM_001458.5 (MANE Select); coding-DNA position 2519, G replaced by A.
Protein change: p.Arg840His; replaces arginine 840 with histidine.
Molecular consequence: missense variant.
Genome position (GRCh38, 1-based): chr7:128,842,923, G>A. VCF-style: chr7-128842923-G-A. GRCh37 (hg19) VCF-style: chr7-128482977-G-A.
Other names: c.2519G>A, p.Arg840His (NM_001127487.2); short protein forms R840H.
Identifiers: ClinVar variation 837353 (VCV000837353.11), dbSNP rs376472014, ClinGen allele CA4474753.

ClinVar aggregate classification (germline): Conflicting classifications of pathogenicity. Review status: criteria provided, conflicting classifications (1 of 4 stars). 4 submissions from 4 submitters: Uncertain significance (3); Likely benign (1). Last evaluated 2025-05-21.

Conditions:
Myofibrillar myopathy 5. Also called: Filaminopathy (type); FILAMINOPATHY, AUTOSOMAL DOMINANT. Identifiers: Orphanet 171445, MedGen C1836050, MONDO:0012289, OMIM 609524.
Hypertrophic cardiomyopathy 26. Also called: Cardiomyopathy, familial hypertrophic, 26. Identifiers: Orphanet 75249, MedGen C4310749, MONDO:0014883, OMIM 617047.
Distal myopathy with posterior leg and anterior hand involvement. Also called: WILLIAMS DISTAL MYOPATHY. Identifiers: Orphanet 63273, MedGen C3279722, MONDO:0013550, OMIM 614065.
Cardiovascular phenotype. Identifiers: MedGen CN230736.

Allele frequency attached by ClinVar (database versions not stated): ExAC 0.00001; gnomAD exomes 0.00002; gnomAD 0.00003 and 0.00004; TOPMed 0.00003; ESP Exome Variant Server 0.00008.
gnomAD v4.1: 41 of 1,613,874 alleles (0.0025%); highest among the groups gnomAD compares: Non-Finnish European, 0.0033%; no homozygotes.

Submissions (4):

Revvity Omics, Revvity
Classification: Uncertain significance. Last evaluated: 2025-05-21. Review status: criteria provided, single submitter. Criteria: ACMG Guidelines, 2015. Collection method: clinical testing. Allele origin: germline.

Labcorp Genetics (formerly Invitae), Labcorp
Classification: Uncertain significance for Distal myopathy with posterior leg and anterior hand involvement; Myofibrillar myopathy 5; Hypertrophic cardiomyopathy 26. Last evaluated: 2024-02-23. Review status: criteria provided, single submitter. Criteria: Invitae Variant Classification Sherloc (09022015). Collection method: clinical testing. Allele origin: germline.
Comment: This sequence change replaces arginine, which is basic and polar, with histidine, which is basic and polar, at codon 840 of the FLNC protein (p.Arg840His). This variant is present in population databases (rs376472014, gnomAD 0.004%). This variant has not been reported in the literature in individuals affected with FLNC-related conditions. ClinVar contains an entry for this variant (Variation ID: 837353). Algorithms developed to predict the effect of missense changes on protein structure and function output the following: SIFT: "Not Available"; PolyPhen-2: "Benign"; Align-GVGD: "Not Available". The histidine amino acid residue is found in multiple mammalian species, which suggests that this missense change does not adversely affect protein function. In summary, the available evidence is currently insufficient to determine the role of this variant in disease. Therefore, it has been classified as a Variant of Uncertain Significance.

Ambry Genetics
Classification: Likely benign for Cardiovascular phenotype. Last evaluated: 2022-09-16. Review status: criteria provided, single submitter. Criteria: Ambry Variant Classification Scheme 2023. Collection method: clinical testing. Allele origin: germline.

Fulgent Genetics
Classification: Uncertain significance for Myofibrillar myopathy 5; Distal myopathy with posterior leg and anterior hand involvement; Hypertrophic cardiomyopathy 26. Last evaluated: 2021-08-12. Review status: criteria provided, single submitter. Criteria: ACMG Guidelines, 2015. Collection method: clinical testing. Allele origin: unknown.